The following is an entry in ClinVar:

ClinVar aggregate classification (germline): Uncertain significance (1 of 4 stars; one submission).

Conditions:
Immunodeficiency due to CD25 deficiency. Also called: IMMUNODEFICIENCY 41 WITH LYMPHOPROLIFERATION AND AUTOIMMUNITY; IL2RA DEFICIENCY; CD25 DEFICIENCY. Identifiers: Orphanet 169100, MedGen C1853392, MONDO:0011664, OMIM 606367.

Allele frequency attached by ClinVar (database versions not stated): gnomAD exomes 0.00003; ExAC 0.00001; gnomAD 0.00004 and 0.00003; TOPMed 0.00002.
gnomAD v4.1: 44 of 1,613,828 alleles (0.0027%); highest among the groups gnomAD compares: Non-Finnish European, 0.0033%; no homozygotes.

Submission:

Labcorp Genetics (formerly Invitae), Labcorp
Classification: Uncertain significance for Immunodeficiency due to CD25 deficiency. Last evaluated: 2024-12-23. Review status: criteria provided, single submitter. Criteria: Invitae Variant Classification Sherloc (09022015). Collection method: clinical testing. Allele origin: germline.
Comment: This sequence change replaces isoleucine, which is neutral and non-polar, with valine, which is neutral and non-polar, at codon 183 of the IL2RA protein (p.Ile183Val). This variant is present in population databases (rs746647595, gnomAD 0.006%). This variant has not been reported in the literature in individuals affected with IL2RA-related conditions. ClinVar contains an entry for this variant (Variation ID: 654651). Invitae Evidence Modeling of protein sequence and biophysical properties (such as structural, functional, and spatial information, amino acid conservation, physicochemical variation, residue mobility, and thermodynamic stability) indicates that this missense variant is not expected to disrupt IL2RA protein function with a negative predictive value of 80%. In summary, the available evidence is currently insufficient to determine the role of this variant in disease. Therefore, it has been classified as a Variant of Uncertain Significance.

NM_000417.3(IL2RA):c.547A>G (p.Ile183Val)

Gene: IL2RA (interleukin 2 receptor subunit alpha; minus strand). Cytogenetic location: 10p15.1.
Variant type: single nucleotide variant.
Coding change: c.547A>G on transcript NM_000417.3 (MANE Select); coding-DNA position 547, A replaced by G.
Protein change: p.Ile183Val; replaces isoleucine 183 with valine.
Molecular consequence: missense variant. On other transcripts: intron variant (2).
Genome position (GRCh38, 1-based): chr10:6,021,514, T>C on the plus strand (A>G on the coding strand, the complement: IL2RA is on the minus strand). VCF-style: chr10-6021514-T-C. GRCh37 (hg19) VCF-style: chr10-6063477-T-C.
Other names: c.368-2015A>G (NM_001308243.2); c.368-1573A>G (NM_001308242.2); short protein forms I183V.
Identifiers: ClinVar variation 654651 (VCV000654651.7), dbSNP rs746647595, ClinGen allele CA5397424.
Genomic context (GRCh38, chr10:6,021,514, plus strand): 5'-GACCCCAGAAGGGAGCCACCCTACCTGGAAACTGACTGGTCTCCATTTCACCTGTGCATA[T>C]GAGCTGGGGCTGGGTCCACCTTGTCTTCCCGTGGGTCATTTTGCAGACGCTCTCAGCAGG-3'
Protein context (NP_000408.1, residues 173-193): GKTRWTQPQL[Ile183Val]CTGEMETSQF